The following is an entry in ClinVar:

NM_000158.4(GBE1):c.257T>G (p.Leu86Ter)

Gene: GBE1 (1,4-alpha-glucan branching enzyme 1; minus strand). Cytogenetic location: 3p12.2.
Variant type: single nucleotide variant.
Coding change: c.257T>G on transcript NM_000158.4 (MANE Select); coding-DNA position 257, T replaced by G.
Protein change: p.Leu86Ter; replaces leucine 86 with a stop codon.
Molecular consequence: nonsense.
Genome position (GRCh38, 1-based): chr3:81,705,500, A>C on the plus strand (T>G on the coding strand, the complement: GBE1 is on the minus strand). VCF-style: chr3-81705500-A-C. GRCh37 (hg19) VCF-style: chr3-81754651-A-C.
Other names: short protein forms L86*.
Identifiers: ClinVar variation 5015903 (VCV005015903.1).

ClinVar aggregate classification (germline): Pathogenic (1 of 4 stars; one submission).

Conditions:
Glycogen storage disease, type IV (GSD4). Also called: AMYLOPECTINOSIS; ANDERSEN DISEASE; BRANCHER DEFICIENCY; CIRRHOSIS, FAMILIAL, WITH DEPOSITION OF ABNORMAL GLYCOGEN; GBE1 DEFICIENCY; GLYCOGEN BRANCHING ENZYME DEFICIENCY. Identifiers: Orphanet 367, MedGen C0017923, MONDO:0009292, OMIM 232500.

Submission:

Myriad Genetics, Inc.
Classification: Pathogenic for Glycogen storage disease, type IV. Last evaluated: 2026-05-11. Review status: criteria provided, single submitter. Criteria: Myriad Autosomal Dominant, Autosomal Recessive and X-Linked Classification Criteria (2023). Collection method: clinical testing. Allele origin: unknown.
Comment: NM_000158.3(GBE1):c.257T>G(L86*) is expected to be pathogenic in the context of glycogen storage disease, GBE1-related. This variant is predicted to lead to an abnormal or absent protein product due to the creation of a premature termination codon in GBE1, a gene where loss-of-function variants are known to be pathogenic. Please note: this variant was assessed in the context of healthy population screening.